The following is an entry in ClinVar:

NM_173660.5(DOK7):c.1096A>G (p.Thr366Ala)

Gene: DOK7 (docking protein 7; plus strand). Cytogenetic location: 4p16.3.
Variant type: single nucleotide variant.
Coding change: c.1096A>G on transcript NM_173660.5 (MANE Select); coding-DNA position 1096, A replaced by G.
Protein change: p.Thr366Ala; replaces threonine 366 with alanine.
Molecular consequence: missense variant. On other transcripts: 3 prime UTR variant (1).
Genome position (GRCh38, 1-based): chr4:3,493,082, A>G. VCF-style: chr4-3493082-A-G. GRCh37 (hg19) VCF-style: chr4-3494809-A-G.
Other names: c.*317A>G (NM_001164673.2); c.166A>G, p.Thr56Ala (NM_001256896.2); c.1096A>G, p.Thr366Ala (NM_001301071.2); c.664A>G, p.Thr222Ala (NM_001363811.2); short protein forms T222A, T366A, T56A.
Identifiers: ClinVar variation 1477484 (VCV001477484.3), dbSNP rs556239795, ClinGen allele CA2829361.
Genomic context (GRCh38, chr4:3,493,082, plus strand): 5'-TCCTCTTACTCCAGCAGCCTCTCGTCCTACGCGGGCAGCAGCCTGGACGTGTGGCGGGCC[A>G]CAGATGAACTGGGCTCACTGCTCAGCCTGCCAGCAGCGGGGGCCCCCGAGCCCAGCCTGT-3'
Protein context (NP_775931.3, residues 356-376): AGSSLDVWRA[Thr366Ala]DELGSLLSLP

ClinVar aggregate classification (germline): Uncertain significance (1 of 4 stars; one submission).

Conditions:
Congenital myasthenic syndrome 10. Also called: Myasthenia, limb-girdle, familial. Identifiers: Orphanet 590, MedGen C1850792, MONDO:0009690, OMIM 254300.
Fetal akinesia deformation sequence 1 (FADS1). Also called: Pena-Shokeir syndrome type I; Fetal akinesia sequence. Identifiers: Orphanet 994, MedGen C1276035, MONDO:0100101, OMIM 208150, HP:0001989.

Allele frequency attached by ClinVar (database versions not stated): gnomAD 0.00001 and 0.00005; TOPMed 0.00001; gnomAD exomes 0.00007; 1000 Genomes Project 30x 0.00016; ExAC 0.00016; 1000 Genomes Project 0.00020.
gnomAD v4.1: 108 of 1,577,268 alleles (0.0068%); highest among the groups gnomAD compares: East Asian, 0.25%; no homozygotes.

Submission:

Labcorp Genetics (formerly Invitae), Labcorp
Classification: Uncertain significance for Congenital myasthenic syndrome 10; Fetal akinesia deformation sequence 1. Last evaluated: 2021-11-07. Review status: criteria provided, single submitter. Criteria: Invitae Variant Classification Sherloc (09022015). Collection method: clinical testing. Allele origin: germline.
Comment: This sequence change replaces threonine, which is neutral and polar, with alanine, which is neutral and non-polar, at codon 366 of the DOK7 protein (p.Thr366Ala). This variant is present in population databases (rs556239795, gnomAD 0.07%). This variant has not been reported in the literature in individuals affected with DOK7-related conditions. Algorithms developed to predict the effect of missense changes on protein structure and function output the following: SIFT: "Tolerated"; PolyPhen-2: "Benign"; Align-GVGD: "Class C0". The alanine amino acid residue is found in multiple mammalian species, which suggests that this missense change does not adversely affect protein function. In summary, the available evidence is currently insufficient to determine the role of this variant in disease. Therefore, it has been classified as a Variant of Uncertain Significance.